The following is an entry in ClinVar:

NM_182914.3(SYNE2):c.11255C>G (p.Ala3752Gly)

Gene: SYNE2 (spectrin repeat containing nuclear envelope protein 2; plus strand). Cytogenetic location: 14q23.2.
Variant type: single nucleotide variant.
Coding change: c.11255C>G on transcript NM_182914.3 (MANE Select); coding-DNA position 11255, C replaced by G.
Protein change: p.Ala3752Gly; replaces alanine 3752 with glycine.
Molecular consequence: missense variant.
Genome position (GRCh38, 1-based): chr14:64,080,547, C>G. VCF-style: chr14-64080547-C-G. GRCh37 (hg19) VCF-style: chr14-64547265-C-G.
Other names: c.11255C>G, p.Ala3752Gly (NM_015180.6); short protein forms A3752G.
Identifiers: ClinVar variation 1042729 (VCV001042729.8), dbSNP rs1435842315, ClinGen allele CA389941611.

ClinVar aggregate classification (germline): Uncertain significance (1 of 4 stars; one submission).

Conditions:
Emery-Dreifuss muscular dystrophy 5, autosomal dominant (EDMD5). Also called: EMERY-DREIFUSS MUSCULAR DYSTROPHY 5. Identifiers: Orphanet 261, MedGen C2751805, MONDO:0013072, OMIM 612999.

Allele frequency attached by ClinVar (database versions not stated): gnomAD exomes below 0.00001; TOPMed 0.00001.
gnomAD v4.1: 5 of 1,614,094 alleles (0.00031%); highest among the groups gnomAD compares: South Asian, 0.0011%; no homozygotes.

Submission:

Labcorp Genetics (formerly Invitae), Labcorp
Classification: Uncertain significance for Emery-Dreifuss muscular dystrophy 5, autosomal dominant. Last evaluated: 2020-03-02. Review status: criteria provided, single submitter. Criteria: Invitae Variant Classification Sherloc (09022015). Collection method: clinical testing. Allele origin: germline.
Comment: In summary, the available evidence is currently insufficient to determine the role of this variant in disease. Therefore, it has been classified as a Variant of Uncertain Significance. Algorithms developed to predict the effect of missense changes on protein structure and function are either unavailable or do not agree on the potential impact of this missense change (SIFT: "Tolerated"; PolyPhen-2: "Probably Damaging"; Align-GVGD: "Class C0"). This variant has not been reported in the literature in individuals with SYNE2-related conditions. This variant is not present in population databases (ExAC no frequency). This sequence change replaces alanine with glycine at codon 3752 of the SYNE2 protein (p.Ala3752Gly). The alanine residue is weakly conserved and there is a small physicochemical difference between alanine and glycine.